The following is an entry in ClinVar:

NM_000059.4(BRCA2):c.9934del (p.Pro3311_Ile3312insTer)

Gene: BRCA2 (BRCA2 DNA repair associated; plus strand). Cytogenetic location: 13q13.1.
Variant type: Deletion.
Coding change: c.9934del on transcript NM_000059.4 (MANE Select); coding-DNA position 9934, one base deleted (A; older notation c.9934delA).
Protein change: p.Pro3311_Ile3312insTer.
Molecular consequence: nonsense. On other transcripts: non-coding transcript variant (1).
Genome position (GRCh38, 1-based): chr13:32,398,447, A deleted. VCF-style (leftmost placement, unchanged base first): chr13-32398446-CA-C. GRCh37 (hg19) VCF-style: chr13-32972583-CA-C.
Other names: c.9838del, p.Pro3279_Ile3280insTer (NM_001406719.1); c.9883del, p.Pro3294_Ile3295insTer (NM_001406720.1); c.5002del, p.Pro1667_Ile1668insTer (NM_001406721.1); c.3517del, p.Pro1172_Ile1173insTer (NM_001406722.1); c.9934del, p.Pro3311_Ile3312insTer (NM_001432077.1).
Identifiers: ClinVar variation 4710785 (VCV004710785.1).

ClinVar aggregate classification (germline): Uncertain significance (1 of 4 stars; one submission).

Conditions:
Hereditary breast ovarian cancer syndrome. Also called: BRCA1- and BRCA2-Associated Hereditary Breast and Ovarian Cancer; Breast and ovarian cancer; Hereditary breast and ovarian cancer syndrome; Hereditary breast and ovarian cancer syndrome (HBOC); Hereditary breast and/or ovarian cancer syndrome; Hereditary breast and ovarian cancer. Identifiers: Orphanet 145, MedGen C0677776, MeSH D061325, MONDO:0003582. Disease mechanism: loss of function.

Submission:

Labcorp Genetics (formerly Invitae), Labcorp
Classification: Uncertain significance for Hereditary breast ovarian cancer syndrome. Last evaluated: 2025-06-27. Review status: criteria provided, single submitter. Criteria: Invitae Variant Classification Sherloc (09022015). Collection method: clinical testing. Allele origin: germline.
Comment: This sequence change creates a premature translational stop signal (p.Ile3312*) in the BRCA2 gene. While this is not anticipated to result in nonsense mediated decay, it is expected to disrupt the last 107 amino acid(s) of the BRCA2 protein. This variant is not present in population databases (gnomAD no frequency). This variant has not been reported in the literature in individuals affected with BRCA2-related conditions. Experimental studies and prediction algorithms are not available or were not evaluated, and the functional significance of this variant is currently unknown. In summary, the available evidence is currently insufficient to determine the role of this variant in disease. Therefore, it has been classified as a Variant of Uncertain Significance.